The following is an entry in ClinVar:

ClinVar aggregate classification (germline): Uncertain significance (1 of 4 stars; one submission).

Submission:

Labcorp Genetics (formerly Invitae), Labcorp
Classification: Uncertain significance. Last evaluated: 2021-10-22. Review status: criteria provided, single submitter. Criteria: Invitae Variant Classification Sherloc (09022015). Collection method: clinical testing. Allele origin: germline.
Comment: This sequence change replaces leucine with glutamine at codon 385 of the IRF4 protein (p.Leu385Gln). The leucine residue is highly conserved and there is a moderate physicochemical difference between leucine and glutamine. This variant is not present in population databases (ExAC no frequency). This variant has not been reported in the literature in individuals affected with IRF4-related conditions. Algorithms developed to predict the effect of missense changes on protein structure and function (SIFT, PolyPhen-2, Align-GVGD) all suggest that this variant is likely to be disruptive. In summary, the available evidence is currently insufficient to determine the role of this variant in disease. Therefore, it has been classified as a Variant of Uncertain Significance.

NM_002460.4(IRF4):c.1154T>A (p.Leu385Gln)

Genes: IRF4 (interferon regulatory factor 4; plus strand), LOC129995575 (ATAC-STARR-seq lymphoblastoid active region 23845; plus strand). Cytogenetic location: 6p25.3.
Variant type: single nucleotide variant.
Coding change: c.1154T>A on transcript NM_002460.4 (MANE Select); coding-DNA position 1154, T replaced by A.
Protein change: p.Leu385Gln; replaces leucine 385 with glutamine.
Molecular consequence: missense variant. On other transcripts: non-coding transcript variant (1).
Genome position (GRCh38, 1-based): chr6:405,072, T>A. VCF-style: chr6-405072-T-A. GRCh37 (hg19) VCF-style: chr6-405072-T-A.
Other names: c.1151T>A, p.Leu384Gln (NM_001195286.2); short protein forms L384Q, L385Q.
Identifiers: ClinVar variation 1346443 (VCV001346443.6), dbSNP rs2127441919, ClinGen allele CA362550384.